The following is an entry in ClinVar:

NM_001127222.2(CACNA1A):c.5165A>G (p.Asp1722Gly)

Gene: CACNA1A (calcium voltage-gated channel subunit alpha1 A; minus strand). Cytogenetic location: 19p13.13.
Variant type: single nucleotide variant.
Coding change: c.5165A>G on transcript NM_001127222.2 (MANE Select); coding-DNA position 5165, A replaced by G.
Protein change: p.Asp1722Gly; replaces aspartic acid 1722 with glycine.
Molecular consequence: missense variant.
Genome position (GRCh38, 1-based): chr19:13,235,005, T>C on the plus strand (A>G on the coding strand, the complement: CACNA1A is on the minus strand). VCF-style: chr19-13235005-T-C. GRCh37 (hg19) VCF-style: chr19-13345819-T-C.
Other names: c.5168A>G (NM_000068.2); c.5183A>G, p.Asp1728Gly (NM_000068.4, NM_023035.3); c.5168A>G, p.Asp1723Gly (NM_001127221.2); c.5174A>G, p.Asp1725Gly (NM_001174080.2); short protein forms D1722G, D1723G, D1725G, D1728G.
Identifiers: ClinVar variation 1704979 (VCV001704979.33), dbSNP rs765144501, ClinGen allele CA9239807.

ClinVar aggregate classification (germline): Uncertain significance. Review status: criteria provided, multiple submitters, no conflicts (2 of 4 stars). 5 submissions from 5 submitters: Uncertain significance (5). Last evaluated 2025-05-27.

Conditions:
CACNA1A-related disorder. Also called: CACNA1A-related condition.
Episodic ataxia type 2 (EA2). Also called: ACETAZOLAMIDE-RESPONSIVE HEREDITARY PAROXYSMAL CEREBELLAR ATAXIA; CEREBELLAR ATAXIA, PAROXYSMAL, ACETAZOLAMIDE-RESPONSIVE; CEREBELLOPATHY, HEREDITARY PAROXYSMAL; EPISODIC ATAXIA, NYSTAGMUS-ASSOCIATED; ATAXIA, EPISODIC, WITH NYSTAGMUS; ATAXIA, FAMILIAL PAROXYSMAL. Identifiers: Orphanet 97, MedGen C1720416, MONDO:0007163, OMIM 108500.
Developmental and epileptic encephalopathy, 42 (DEE42A). Also called: Epileptic encephalopathy, early infantile, 42; DEVELOPMENTAL AND EPILEPTIC ENCEPHALOPATHY 42A; EPILEPTIC ENCEPHALOPATHY, EARLY INFANTILE, 42A. Identifiers: MedGen C4310716, MONDO:0014917, OMIM 617106.
Inborn genetic diseases. Identifiers: MedGen C0950123, MeSH D030342.

Allele frequency attached by ClinVar (database versions not stated): ExAC 0.00001; TOPMed 0.00001; gnomAD 0.00002; gnomAD exomes 0.00004.
gnomAD v4.1: 53 of 1,613,670 alleles (0.0033%); highest among the groups gnomAD compares: Non-Finnish European, 0.0042%; no homozygotes.

Submissions (5):

Labcorp Genetics (formerly Invitae), Labcorp
Classification: Uncertain significance for Developmental and epileptic encephalopathy, 42; Episodic ataxia type 2. Last evaluated: 2025-05-27. Review status: criteria provided, single submitter. Criteria: Invitae Variant Classification Sherloc (09022015). Collection method: clinical testing. Allele origin: germline.
Comment: This sequence change replaces aspartic acid, which is acidic and polar, with glycine, which is neutral and non-polar, at codon 1723 of the CACNA1A protein (p.Asp1723Gly). This variant is present in population databases (rs765144501, gnomAD 0.003%). This variant has not been reported in the literature in individuals affected with CACNA1A-related conditions. ClinVar contains an entry for this variant (Variation ID: 1704979). Invitae Evidence Modeling of protein sequence and biophysical properties (such as structural, functional, and spatial information, amino acid conservation, physicochemical variation, residue mobility, and thermodynamic stability) indicates that this missense variant is not expected to disrupt CACNA1A protein function with a negative predictive value of 95%. In summary, the available evidence is currently insufficient to determine the role of this variant in disease. Therefore, it has been classified as a Variant of Uncertain Significance.

Ambry Genetics
Classification: Uncertain significance for Inborn genetic diseases. Last evaluated: 2025-03-22. Review status: criteria provided, single submitter. Criteria: Ambry Variant Classification Scheme 2023. Collection method: clinical testing. Allele origin: germline.

Athena Diagnostics
Classification: Uncertain significance. Last evaluated: 2023-07-25. Review status: criteria provided, single submitter. Criteria: Athena Diagnostics Criteria. Collection method: clinical testing. Allele origin: unknown.
Comment: Available data are insufficient to determine the clinical significance of the variant at this time. The frequency of this variant in the general population is uninformative in assessment of its pathogenicity. Computational tools predict that this variant is not damaging.

CeGaT Center for Human Genetics Tuebingen
Classification: Uncertain significance. Last evaluated: 2023-07-01. Review status: criteria provided, single submitter. Criteria: CeGaT Center For Human Genetics Tuebingen Variant Classification Criteria Version 2. Collection method: clinical testing. Allele origin: germline. Affected: yes. Observed: 1 variant allele.
Comment: CACNA1A: PP2

GeneDx
Classification: Uncertain significance. Last evaluated: 2023-04-07. Review status: criteria provided, single submitter. Criteria: GeneDx Variant Classification Process June 2021. Collection method: clinical testing. Allele origin: germline. Affected: yes.
Comment: Not observed at significant frequency in large population cohorts (gnomAD); In silico analysis supports that this missense variant has a deleterious effect on protein structure/function; Has not been previously published as pathogenic or benign to our knowledge